The following is an entry in ClinVar:

ClinVar aggregate classification (germline): Uncertain significance (1 of 4 stars; one submission).

Conditions:
Hyperaldosteronism, familial, type IV (HALD4). Also called: FH IV; ALDOSTERONISM, PRIMARY, AND HYPERTENSION. Identifiers: Orphanet 642671, MedGen C4310756, MONDO:0014875, OMIM 617027.
Idiopathic generalized epilepsy. Also called: Generalised epilepsy; EIG. Identifiers: MedGen C0270850, MONDO:0005579, OMIM 600669.

Allele frequency attached by ClinVar (database versions not stated): gnomAD exomes below 0.00001.
gnomAD v4.1: 4 of 1,544,440 alleles (0.00026%); highest among the groups gnomAD compares: African/African-American, 0.0014%; no homozygotes.

Submission:

Labcorp Genetics (formerly Invitae), Labcorp
Classification: Uncertain significance for Idiopathic generalized epilepsy; Hyperaldosteronism, familial, type IV. Last evaluated: 2025-05-11. Review status: criteria provided, single submitter. Criteria: Invitae Variant Classification Sherloc (09022015). Collection method: clinical testing. Allele origin: germline.
Comment: This sequence change replaces serine, which is neutral and polar, with asparagine, which is neutral and polar, at codon 1139 of the CACNA1H protein (p.Ser1139Asn). This variant is not present in population databases (gnomAD no frequency). This variant has not been reported in the literature in individuals affected with CACNA1H-related conditions. ClinVar contains an entry for this variant (Variation ID: 1427725). Invitae Evidence Modeling of protein sequence and biophysical properties (such as structural, functional, and spatial information, amino acid conservation, physicochemical variation, residue mobility, and thermodynamic stability) indicates that this missense variant is not expected to disrupt CACNA1H protein function with a negative predictive value of 80%. In summary, the available evidence is currently insufficient to determine the role of this variant in disease. Therefore, it has been classified as a Variant of Uncertain Significance.

NM_021098.3(CACNA1H):c.3416G>A (p.Ser1139Asn)

Gene: CACNA1H (calcium voltage-gated channel subunit alpha1 H; plus strand). Cytogenetic location: 16p13.3.
Variant type: single nucleotide variant.
Coding change: c.3416G>A on transcript NM_021098.3 (MANE Select); coding-DNA position 3416, G replaced by A.
Protein change: p.Ser1139Asn; replaces serine 1139 with asparagine.
Molecular consequence: missense variant.
Genome position (GRCh38, 1-based): chr16:1,209,084, G>A. VCF-style: chr16-1209084-G-A. GRCh37 (hg19) VCF-style: chr16-1259084-G-A.
Other names: c.3416G>A, p.Ser1139Asn (NM_001005407.2); short protein forms S1139N.
Identifiers: ClinVar variation 1427725 (VCV001427725.8), dbSNP rs1205390921, ClinGen allele CA394173390.